The following is an entry in ClinVar:

ClinVar aggregate classification (germline): Uncertain significance. Review status: criteria provided, multiple submitters, no conflicts (2 of 4 stars). 5 submissions from 5 submitters: Uncertain significance (4). 1 of the submissions does not count toward it. Last evaluated 2024-05-29.

Conditions:
Usher syndrome type 1B (USH1B). Also called: Usher syndrome type IB. Identifiers: MedGen C1848638, MONDO:0700087.
Autosomal dominant nonsyndromic hearing loss 11. Identifiers: Orphanet 90635, MedGen C1832475, MONDO:0011032, OMIM 601317.
Autosomal recessive nonsyndromic hearing loss 2. Also called: NEUROSENSORY NONSYNDROMIC RECESSIVE DEAFNESS 2; DEAFNESS, AUTOSOMAL RECESSIVE 2. Identifiers: Orphanet 90636, MedGen C1838701, MONDO:0010807, OMIM 600060.
Usher syndrome type 1 (USH1). Also called: RETINITIS PIGMENTOSA AND CONGENITAL DEAFNESS. Identifiers: Orphanet 231169, Orphanet 886, MedGen C1568247, MONDO:0010168, OMIM 276900.

Allele frequency attached by ClinVar (database versions not stated): ExAC 0.00001; gnomAD 0.00001; TOPMed 0.00001; gnomAD exomes 0.00002.
gnomAD v4.1: 27 of 1,613,378 alleles (0.0017%); highest among the groups gnomAD compares: South Asian, 0.0088%; no homozygotes.

Submissions (5):

Blueprint Genetics
Classification: Uncertain significance. Last evaluated: 2024-05-29. Review status: criteria provided, single submitter. Criteria: ACMG Guidelines, 2015. Collection method: clinical testing. Allele origin: germline.

Labcorp Genetics (formerly Invitae), Labcorp
Classification: Uncertain significance. Last evaluated: 2021-11-02. Review status: criteria provided, single submitter. Criteria: Invitae Variant Classification Sherloc (09022015). Collection method: clinical testing. Allele origin: germline.
Comment: This sequence change replaces glycine, which is neutral and non-polar, with serine, which is neutral and polar, at codon 1315 of the MYO7A protein (p.Gly1315Ser). This variant is present in population databases (rs769771981, gnomAD 0.02%). This variant has not been reported in the literature in individuals affected with MYO7A-related conditions. ClinVar contains an entry for this variant (Variation ID: 517466). Advanced modeling of protein sequence and biophysical properties (such as structural, functional, and spatial information, amino acid conservation, physicochemical variation, residue mobility, and thermodynamic stability) performed at Invitae indicates that this missense variant is not expected to disrupt MYO7A protein function. In summary, the available evidence is currently insufficient to determine the role of this variant in disease. Therefore, it has been classified as a Variant of Uncertain Significance.

Fulgent Genetics
Classification: Uncertain significance for Usher syndrome type 1; Autosomal recessive nonsyndromic hearing loss 2; Autosomal dominant nonsyndromic hearing loss 11. Last evaluated: 2018-10-31. Review status: criteria provided, single submitter. Criteria: ACMG Guidelines, 2015. Collection method: clinical testing. Allele origin: unknown.

Laboratory for Molecular Medicine, Mass General Brigham Personalized Medicine
Classification: Uncertain significance. Last evaluated: 2017-07-13. Review status: criteria provided, single submitter. Criteria: LMM Criteria. Collection method: clinical testing. Allele origin: germline. Observed: 1 variant allele.
Comment: Variant classified as Uncertain Significance - Favor Benign. The p.Gly1315Ser va riant in MYO7A has not been previously reported in individuals with hearing loss or Usher syndrome, but has been identified in 6/30746 South Asian chromosomes b y the Genome Aggregation Database (gnomAD; db SNP rs769771981). Although this variant has been seen in the general population, its frequency is not high enough to rule out a pathogenic role. The glycine (Gl y) at position 1315 is not highly conserved in mammals and evolutionary distant species. Of note, 2 mammals (Hedgehog and Pacific Walrus) carry a serine (Ser) d espite high nearby amino acid conservation; raising the possibility that this ch ange at this position may be tolerated. Additional computational prediction tool s do not provide strong support for or against an impact to the protein. In summ ary, while the clinical significance of the p.Gly1315Ser variant is uncertain, a vailable data suggest that it is more likely to be benign.

Natera, Inc.
Classification: Uncertain significance for Usher syndrome type 1B. Last evaluated: 2020-03-17. Review status: no assertion criteria provided. Collection method: clinical testing. Allele origin: germline. Not counted in ClinVar's aggregate classification.

NM_000260.4(MYO7A):c.3943G>A (p.Gly1315Ser)

Gene: MYO7A (myosin VIIA; plus strand). Cytogenetic location: 11q13.5.
Variant type: single nucleotide variant.
Coding change: c.3943G>A on transcript NM_000260.4 (MANE Select); coding-DNA position 3943, G replaced by A.
Protein change: p.Gly1315Ser; replaces glycine 1315 with serine.
Molecular consequence: missense variant.
Genome position (GRCh38, 1-based): chr11:77,192,069, G>A. VCF-style: chr11-77192069-G-A. GRCh37 (hg19) VCF-style: chr11-76903114-G-A.
Other names: c.3943G>A, p.Gly1315Ser (NM_001127180.2); c.3910G>A, p.Gly1304Ser (NM_001369365.1); short protein forms G1315S, G1304S.
Identifiers: ClinVar variation 517466 (VCV000517466.10), dbSNP rs769771981, ClinGen allele CA6198270.